The following is an entry in ClinVar:

ClinVar aggregate classification (germline): Uncertain significance (1 of 4 stars; one submission).

Conditions:
Cardiomyopathy (CMYO). Also called: Cardiomyopathies. Identifiers: Orphanet 167848, MedGen C0878544, MONDO:0004994, HP:0001638. Inheritance: Various modes of inheritance.

Submission:

Color Diagnostics, LLC DBA Color Health
Classification: Uncertain significance for Cardiomyopathy. Last evaluated: 2024-11-13. Review status: criteria provided, single submitter. Criteria: ACMG Guidelines, 2015. Collection method: clinical testing. Allele origin: germline.
Comment: This variant causes an in-frame substitution of two amino acids at codons 292 and 293 with two novel amino acids in the DSG2 protein (p.Arg292_Ile293delinsHisVal). To our knowledge, functional studies have not been reported for this variant. This variant has not been reported in individuals affected with DSG2-related disorders in the literature. This variant has not been identified in the general population by the Genome Aggregation Database (gnomAD). The available evidence is insufficient to determine the role of this variant in disease conclusively. Therefore, this variant is classified as a Variant of Uncertain Significance.

NM_001943.5(DSG2):c.875_877delinsACG (p.Arg292_Ile293delinsHisVal)

Gene: DSG2 (desmoglein 2; plus strand). Cytogenetic location: 18q12.1.
Variant type: Indel.
Coding change: c.875_877delinsACG on transcript NM_001943.5 (MANE Select); coding-DNA positions 875 to 877, GCA replaced by ACG.
Protein change: p.Arg292_Ile293delinsHisVal.
Molecular consequence: missense variant.
Genome position (GRCh38, 1-based): chr18:31,524,749-31,524,751, GCA replaced by ACG. VCF-style: chr18-31524749-GCA-ACG. GRCh37 (hg19) VCF-style: chr18-29104712-GCA-ACG.
Identifiers: ClinVar variation 3893783 (VCV003893783.1).
Genomic context (GRCh38, chr18:31,524,749, plus strand): 5'-TTCATGTTTTGCAGCTTGAAGGGATGGTTGAAGAAAATCAAGTCAACGTAGAAGTTACGC[GCA>ACG]TAAAAGTGTTCGATGCAGATGAAATAGGTTCTGATAATTGGCTGGCAAATTTTACATTTG-3'